The following is an entry in ClinVar:

NM_000334.4(SCN4A):c.4905C>T (p.Ile1635=)

Genes: SCN4A (sodium voltage-gated channel alpha subunit 4; minus strand), GH-LCR (growth hormone locus control region; plus strand). Cytogenetic location: 17q23.3.
Variant type: single nucleotide variant.
Coding change: c.4905C>T on transcript NM_000334.4 (MANE Select); coding-DNA position 4905, C replaced by T.
Protein change: p.Ile1635=; no amino-acid change (isoleucine 1635 retained).
Molecular consequence: synonymous variant.
Genome position (GRCh38, 1-based): chr17:63,941,377, G>A on the plus strand (C>T on the coding strand, the complement: SCN4A is on the minus strand). VCF-style: chr17-63941377-G-A. GRCh37 (hg19) VCF-style: chr17-62018737-G-A.
Other names: p.Ile1635=.
Identifiers: ClinVar variation 130238 (VCV000130238.25), dbSNP rs59081944, ClinGen allele CA155084.

ClinVar aggregate classification (germline): Benign. Review status: criteria provided, multiple submitters, no conflicts (2 of 4 stars). 12 submissions from 8 submitters: Benign (12). Last evaluated 2026-01-27.

Conditions:
Congenital myasthenic syndrome 16. Identifiers: Orphanet 590, MedGen C3280112, MONDO:0013620, OMIM 614198.
Paramyotonia congenita of Von Eulenburg. Also called: PARALYSIS PERIODICA PARAMYOTONICA; Paramyotonia Congenita; Eulenburg disease; Myotonia congenita intermittens; Von Eulenburg paramyotonia congenita. Identifiers: Orphanet 684, MedGen C0221055, MONDO:0008195, OMIM 168300. Disease mechanism: loss of function.
Hypokalemic periodic paralysis, type 2 (HOKPP2). Identifiers: Orphanet 681, MedGen C2750061, MONDO:0013234, OMIM 613345.
Hyperkalemic periodic paralysis. Also called: Familial hyperkalemic periodic paralysis; Gamstorp disease. Identifiers: Orphanet 682, MedGen C0238357, MONDO:0008224, OMIM 170500, HP:0007215.
Potassium-aggravated myotonia. Also called: MYOTONIA CONGENITA, ACETAZOLAMIDE-RESPONSIVE; MYOTONIA CONGENITA, ATYPICAL; SODIUM CHANNEL MUSCLE DISEASE; Myotonia congenita, atypical, acetazolamide-responsive. Identifiers: Orphanet 612, Orphanet 99734, Orphanet 99735, Orphanet 99736, MedGen C2931826, MONDO:0018959, OMIM 608390.

Allele frequency attached by ClinVar (database versions not stated): 1000 Genomes Project 0.01837; gnomAD exomes 0.00151; gnomAD 0.01460 and 0.01571; 1000 Genomes Project 30x 0.02061; ESP Exome Variant Server 0.01502; TOPMed 0.01657.
gnomAD v4.1: 4,507 of 1,613,872 alleles (0.28%); highest among the groups gnomAD compares: African/African-American, 5.1%; 98 homozygotes.

Submissions (12):

Labcorp Genetics (formerly Invitae), Labcorp
Classification: Benign for Hyperkalemic periodic paralysis. Last evaluated: 2026-01-27. Review status: criteria provided, single submitter. Criteria: Invitae Variant Classification Sherloc (09022015). Collection method: clinical testing. Allele origin: germline.

Mayo Clinic Laboratories, Mayo Clinic
Classification: Benign. Last evaluated: 2023-02-13. Review status: criteria provided, single submitter. Criteria: ACMG Guidelines, 2015. Collection method: clinical testing. Allele origin: germline. Observed: 14 variant alleles.
Comment: BA1, BP4, BP7

Illumina Laboratory Services, Illumina
Classification: Benign for Hyperkalemic periodic paralysis. Last evaluated: 2018-01-12. Review status: criteria provided, single submitter. Criteria: ICSL Variant Classification Criteria 13 December 2019. Collection method: clinical testing. Allele origin: germline.
Comment: This variant was observed in the ICSL laboratory as part of a predisposition screen in an ostensibly healthy population. It had not been previously curated by ICSL or reported in the Human Gene Mutation Database (HGMD: prior to June 1st, 2018), and was therefore a candidate for classification through an automated scoring system. Utilizing variant allele frequency, disease prevalence and penetrance estimates, and inheritance mode, an automated score was calculated to assess if this variant is too frequent to cause the disease. Based on the score and internal cut-off values, a variant classified as benign is not then subjected to further curation. The score for this variant resulted in a classification of benign for this disease.

Illumina Laboratory Services, Illumina
Classification: Benign for Potassium-aggravated myotonia. Last evaluated: 2018-01-12. Review status: criteria provided, single submitter. Criteria: ICSL Variant Classification Criteria 13 December 2019. Collection method: clinical testing. Allele origin: germline.
Comment: the same text as in the submission from Illumina Laboratory Services, Illumina above.

Illumina Laboratory Services, Illumina
Classification: Benign for Hypokalemic periodic paralysis, type 2. Last evaluated: 2018-01-12. Review status: criteria provided, single submitter. Criteria: ICSL Variant Classification Criteria 13 December 2019. Collection method: clinical testing. Allele origin: germline.
Comment: the same text as in the submission from Illumina Laboratory Services, Illumina above.

Illumina Laboratory Services, Illumina
Classification: Benign for Congenital myasthenic syndrome 16. Last evaluated: 2018-01-12. Review status: criteria provided, single submitter. Criteria: ICSL Variant Classification Criteria 13 December 2019. Collection method: clinical testing. Allele origin: germline.
Comment: the same text as in the submission from Illumina Laboratory Services, Illumina above.

Illumina Laboratory Services, Illumina
Classification: Benign for Paramyotonia congenita of Von Eulenburg. Last evaluated: 2018-01-12. Review status: criteria provided, single submitter. Criteria: ICSL Variant Classification Criteria 13 December 2019. Collection method: clinical testing. Allele origin: germline.
Comment: the same text as in the submission from Illumina Laboratory Services, Illumina above.

Athena Diagnostics
Classification: Benign. Last evaluated: 2017-10-19. Review status: criteria provided, single submitter. Criteria: Athena Diagnostics Criteria. Collection method: clinical testing. Allele origin: germline.

GeneDx
Classification: Benign. Last evaluated: 2016-07-15. Review status: criteria provided, single submitter. Criteria: GeneDx Variant Classification (06012015). Collection method: clinical testing. Allele origin: germline. Affected: yes.
Comment: This variant is considered likely benign or benign based on one or more of the following criteria: it is a conservative change, it occurs at a poorly conserved position in the protein, it is predicted to be benign by multiple in silico algorithms, and/or has population frequency not consistent with disease.

Genetic Services Laboratory, University of Chicago
Classification: Benign for AllHighlyPenetrant. Last evaluated: 2013-08-15. Review status: criteria provided, single submitter. Criteria: ACMG Guidelines, 2007. Collection method: clinical testing. Allele origin: germline. Inheritance: Autosomal recessive inheritance.

Breakthrough Genomics
Classification: Benign. Review status: criteria provided, single submitter. Criteria: ACMG Guidelines, 2015. Collection method: not provided. Allele origin: germline. Inheritance: Autosomal recessive inheritance. Affected: yes.

PreventionGenetics, part of Exact Sciences
Classification: Benign. Review status: criteria provided, single submitter. Criteria: ACMG Guidelines, 2015. Collection method: clinical testing. Allele origin: germline.